The following is an entry in ClinVar:

ClinVar aggregate classification (germline): Uncertain significance (1 of 4 stars; one submission).

Conditions:
Cardiovascular phenotype. Identifiers: MedGen CN230736.

Submission:

Ambry Genetics
Classification: Uncertain significance for Cardiovascular phenotype. Last evaluated: 2024-05-02. Review status: criteria provided, single submitter. Criteria: Ambry Variant Classification Scheme 2023. Collection method: clinical testing. Allele origin: germline.
Comment: The p.L2313Q variant (also known as c.6938T>A), located in coding exon 38 of the ANK2 gene, results from a T to A substitution at nucleotide position 6938. The leucine at codon 2313 is replaced by glutamine, an amino acid with dissimilar properties. This amino acid position is conserved. In addition, this alteration is predicted to be tolerated by in silico analysis. Based on the available evidence, the clinical significance of this variant remains unclear.

NM_001148.6(ANK2):c.6938T>A (p.Leu2313Gln)

Genes: ANK2 (ankyrin 2; plus strand), LOC126807137 (CDK7 strongly-dependent group 2 enhancer GRCh37_chr4:114276560-114277759; plus strand). Cytogenetic location: 4q26.
Variant type: single nucleotide variant.
Coding change: c.6938T>A on transcript NM_001148.6 (MANE Select); coding-DNA position 6938, T replaced by A.
Protein change: p.Leu2313Gln; replaces leucine 2313 with glutamine.
Molecular consequence: missense variant. On other transcripts: intron variant (68).
Genome position (GRCh38, 1-based): chr4:113,355,556, T>A. VCF-style: chr4-113355556-T-A. GRCh37 (hg19) VCF-style: chr4-114276712-T-A.
Other names: c.6704T>A, p.Leu2235Gln (NM_001386142.1); c.3338T>A, p.Leu1113Gln (NM_001386166.1); c.7079T>A, p.Leu2360Gln (NM_001386174.1); c.7055T>A, p.Leu2352Gln (NM_001386175.1); c.4412-5267T>A (NM_001386186.2, NM_001386148.2); c.4214-5267T>A (NM_001354269.3); c.4292-5267T>A (NM_001386187.2); c.4253-5267T>A (NM_001386147.1); and 35 more; short protein forms L2313Q, L2235Q, L2360Q, L1113Q, L2352Q.
Identifiers: ClinVar variation 3294991 (VCV003294991.1).